The following is an entry in ClinVar:

ClinVar aggregate classification (germline): Uncertain significance (1 of 4 stars; one submission).

Conditions:
Polycystic kidney disease 4 (PKD4). Also called: POLYCYSTIC KIDNEY AND HEPATIC DISEASE 1; POLYCYSTIC KIDNEY DISEASE, INFANTILE, TYPE I; POLYCYSTIC KIDNEY DISEASE 4 WITH OR WITHOUT POLYCYSTIC LIVER DISEASE; PKD3; Autosomal Recessive Polycystic Kidney Disease – PKHD1. Identifiers: MedGen C4540575, MONDO:0033004, OMIM 263200.

gnomAD v4.1: 5 of 1,613,666 alleles (0.00031%); highest among the groups gnomAD compares: African/African-American, 0.0067%; no homozygotes.

Submission:

Dasa
Classification: Uncertain significance for Polycystic kidney disease 4. Last evaluated: 2025-04-09. Review status: criteria provided, single submitter. Criteria: DASA Assertion Criteria. Collection method: clinical testing. Allele origin: germline.
Comment: NM_138694.4(PKHD1):c.10393A>G (p.Ile3465Val) is a missense variant that results in the substitution of isoleucine with valine. This variant is rare in population databases. Computational prediction algorithms are consistent with a benign effect. The currently available literature and clinical evidence are not sufficient to establish a definitive association between this variant and the reported condition. Therefore, this variant is classified as a variant of uncertain significance.

NM_138694.4(PKHD1):c.10393A>G (p.Ile3465Val)

Gene: PKHD1 (PKHD1 ciliary IPT domain containing fibrocystin/polyductin; minus strand). Cytogenetic location: 6p12.3.
Variant type: single nucleotide variant.
Coding change: c.10393A>G on transcript NM_138694.4 (MANE Select); coding-DNA position 10393, A replaced by G.
Protein change: p.Ile3465Val; replaces isoleucine 3465 with valine.
Molecular consequence: missense variant.
Genome position (GRCh38, 1-based): chr6:51,659,733, T>C on the plus strand (A>G on the coding strand, the complement: PKHD1 is on the minus strand). VCF-style: chr6-51659733-T-C. GRCh37 (hg19) VCF-style: chr6-51524531-T-C.
Other names: short protein forms I3465V.
Identifiers: ClinVar variation 4881208 (VCV004881208.2).
Genomic context (GRCh38, chr6:51,659,733, plus strand): 5'-GAAAAAAGCGCAAAACTTGAGGAGTTTGATCCATGAAGCAGACTTTGGTGATTTGCCTGA[T>C]GGGTAAGATAGAATAGAAAGTAGACACTGACCCAGAAGTAGAGCAGGGAATATTGGCATT-3'
Protein context (NP_619639.3, residues 3455-3475): SVSTFYSILP[Ile3465Val]RQITKVCFMD